The following is an entry in ClinVar:

NM_006904.7(PRKDC):c.1819G>T (p.Asp607Tyr)

Gene: PRKDC (protein kinase, DNA-activated, catalytic subunit; minus strand). Cytogenetic location: 8q11.21.
Variant type: single nucleotide variant.
Coding change: c.1819G>T on transcript NM_006904.7 (MANE Select); coding-DNA position 1819, G replaced by T.
Protein change: p.Asp607Tyr; replaces aspartic acid 607 with tyrosine.
Molecular consequence: missense variant.
Genome position (GRCh38, 1-based): chr8:47,930,745, C>A on the plus strand (G>T on the coding strand, the complement: PRKDC is on the minus strand). VCF-style: chr8-47930745-C-A. GRCh37 (hg19) VCF-style: chr8-48843305-C-A.
Other names: c.1819G>T, p.Asp607Tyr (NM_001081640.2); short protein forms D607Y.
Identifiers: ClinVar variation 1780726 (VCV001780726.2), dbSNP rs375397660, ClinGen allele CA371164777.

ClinVar aggregate classification (germline): Uncertain significance (1 of 4 stars; one submission).

Submission:

Ambry Genetics
Classification: Uncertain significance. Last evaluated: 2021-09-01. Review status: criteria provided, single submitter. Criteria: Ambry Variant Classification Scheme 2023. Collection method: clinical testing. Allele origin: germline.
Comment: The p.D607Y variant (also known as c.1819G>T), located in coding exon 17 of the PRKDC gene, results from a G to T substitution at nucleotide position 1819. The aspartic acid at codon 607 is replaced by tyrosine, an amino acid with highly dissimilar properties. This amino acid position is conserved. In addition, the in silico prediction for this alteration is inconclusive. Since supporting evidence is limited at this time, the clinical significance of this alteration remains unclear.